The following is an entry in ClinVar:

NM_003073.5(SMARCB1):c.509A>G (p.Asp170Gly)

Gene: SMARCB1 (SWI/SNF related BAF chromatin remodeling complex subunit B1; plus strand). Cytogenetic location: 22q11.23.
Variant type: single nucleotide variant.
Coding change: c.509A>G on transcript NM_003073.5 (MANE Select); coding-DNA position 509, A replaced by G.
Protein change: p.Asp170Gly; replaces aspartic acid 170 with glycine.
Molecular consequence: missense variant.
Genome position (GRCh38, 1-based): chr22:23,803,303, A>G. VCF-style: chr22-23803303-A-G. GRCh37 (hg19) VCF-style: chr22-24145490-A-G.
Other names: c.482A>G, p.Asp161Gly (NM_001007468.3); c.536A>G, p.Asp179Gly (NM_001317946.2); c.563A>G, p.Asp188Gly (NM_001362877.2); short protein forms D188G, D161G, D170G, D179G.
Identifiers: ClinVar variation 1984276 (VCV001984276.5), dbSNP rs2145982669, ClinGen allele CA410935441.

ClinVar aggregate classification (germline): Uncertain significance. Review status: criteria provided, multiple submitters, no conflicts (2 of 4 stars). 2 submissions from 2 submitters: Uncertain significance (2). Last evaluated 2025-04-08.

Conditions:
Hereditary cancer-predisposing syndrome. Also called: Tumor predisposition; Hereditary neoplastic syndrome; Neoplastic Syndromes, Hereditary; Hereditary Cancer Syndrome. Identifiers: Orphanet 140162, MedGen C0027672, MeSH D009386, MONDO:0015356.

Submissions (2):

Ambry Genetics
Classification: Uncertain significance for Hereditary cancer-predisposing syndrome. Last evaluated: 2025-04-08. Review status: criteria provided, single submitter. Criteria: Ambry Variant Classification Scheme 2023. Collection method: clinical testing. Allele origin: germline.
Comment: The p.D170G variant (also known as c.509A>G), located in coding exon 5 of the SMARCB1 gene, results from an A to G substitution at nucleotide position 509. The aspartic acid at codon 170 is replaced by glycine, an amino acid with similar properties. This amino acid position is conserved. In addition, this alteration is predicted to be deleterious by in silico analysis. Based on the available evidence, the clinical significance of this variant remains unclear.

Labcorp Genetics (formerly Invitae), Labcorp
Classification: Uncertain significance. Last evaluated: 2022-04-15. Review status: criteria provided, single submitter. Criteria: Invitae Variant Classification Sherloc (09022015). Collection method: clinical testing. Allele origin: germline.
Comment: This sequence change replaces aspartic acid, which is acidic and polar, with glycine, which is neutral and non-polar, at codon 170 of the SMARCB1 protein (p.Asp170Gly). In summary, the available evidence is currently insufficient to determine the role of this variant in disease. Therefore, it has been classified as a Variant of Uncertain Significance. Algorithms developed to predict the effect of missense changes on protein structure and function are either unavailable or do not agree on the potential impact of this missense change (SIFT: "Tolerated"; PolyPhen-2: "Possibly Damaging"; Align-GVGD: "Class C0"). This variant has not been reported in the literature in individuals affected with SMARCB1-related conditions. This variant is not present in population databases (gnomAD no frequency).